The following is an entry in ClinVar:

NM_003242.6(TGFBR2):c.*2065C>T

Gene: TGFBR2 (transforming growth factor beta receptor 2; plus strand). Cytogenetic location: 3p24.1.
Variant type: single nucleotide variant.
Coding change: c.*2065C>T on transcript NM_003242.6 (MANE Select); 2065 bases downstream of the stop codon, C replaced by T.
Molecular consequence: 3 prime UTR variant.
Genome position (GRCh38, 1-based): chr3:30,693,664, C>T. VCF-style: chr3-30693664-C-T. GRCh37 (hg19) VCF-style: chr3-30735156-C-T.
Other names: c.*2065C>T (NM_001024847.3, NM_001407126.1, NM_001407127.1 and 11 more transcripts).
Identifiers: ClinVar variation 344711 (VCV000344711.10), dbSNP rs11466536, ClinGen allele CA10618404.

ClinVar aggregate classification (germline): Benign. Review status: criteria provided, multiple submitters, no conflicts (2 of 4 stars). 3 submissions from 3 submitters: Benign (3). Last evaluated 2021-05-19.

Conditions:
Loeys-Dietz syndrome 2 (LDS2). Also called: TGFBR2-Related Loeys-Dietz Syndrome; AORTIC ANEURYSM, FAMILIAL THORACIC 3; MARFAN SYNDROME, TYPE II; Marfan Syndrome type 2; Marfan like connective tissue disorder; MFS 2. Identifiers: Orphanet 284973, Orphanet 558, MedGen C2674574, MONDO:0012427, OMIM 610168.

Allele frequency attached by ClinVar (database versions not stated): 1000 Genomes Project 30x 0.02498; TOPMed 0.04056; gnomAD exomes 0.04848; 1000 Genomes Project 0.02316.
gnomAD v4.1: 10,766 of 233,430 alleles (4.6%); highest among the groups gnomAD compares: Non-Finnish European, 6.8%; 304 homozygotes.

Submissions (3):

GeneDx
Classification: Benign. Last evaluated: 2021-05-19. Review status: criteria provided, single submitter. Criteria: GeneDx Variant Classification Process June 2021. Collection method: clinical testing. Allele origin: germline. Affected: yes.

Illumina Laboratory Services, Illumina
Classification: Benign for Loeys-Dietz syndrome 2. Last evaluated: 2018-01-13. Review status: criteria provided, single submitter. Criteria: ICSL Variant Classification Criteria 13 December 2019. Collection method: clinical testing. Allele origin: germline.
Comment: This variant was observed in the ICSL laboratory as part of a predisposition screen in an ostensibly healthy population. It had not been previously curated by ICSL or reported in the Human Gene Mutation Database (HGMD: prior to June 1st, 2018), and was therefore a candidate for classification through an automated scoring system. Utilizing variant allele frequency, disease prevalence and penetrance estimates, and inheritance mode, an automated score was calculated to assess if this variant is too frequent to cause the disease. Based on the score and internal cut-off values, a variant classified as benign is not then subjected to further curation. The score for this variant resulted in a classification of benign for this disease.

Breakthrough Genomics
Classification: Benign. Review status: criteria provided, single submitter. Criteria: ACMG Guidelines, 2015. Collection method: not provided. Allele origin: germline. Inheritance: Autosomal dominant inheritance. Affected: yes.